The following is an entry in ClinVar:

ClinVar aggregate classification (germline): Uncertain significance (1 of 4 stars; one submission).

Submission:

GeneDx
Classification: Uncertain significance. Last evaluated: 2025-03-09. Review status: criteria provided, single submitter. Criteria: GeneDx Variant Classification Process June 2021. Collection method: clinical testing. Allele origin: germline. Affected: yes.
Comment: Not observed at significant frequency in large population cohorts (gnomAD); In silico analysis indicates that this missense variant does not alter protein structure/function; Has not been previously published as pathogenic or benign to our knowledge; In silico analysis suggests this variant may impact gene splicing. In the absence of RNA/functional studies, the actual effect of this sequence change is unknown.

NM_004859.4(CLTC):c.634G>A (p.Glu212Lys)

Gene: CLTC (clathrin heavy chain; plus strand). Cytogenetic location: 17q23.1.
Variant type: single nucleotide variant.
Coding change: c.634G>A on transcript NM_004859.4 (MANE Select); coding-DNA position 634, G replaced by A.
Protein change: p.Glu212Lys; replaces glutamic acid 212 with lysine.
Molecular consequence: missense variant.
Genome position (GRCh38, 1-based): chr17:59,648,354, G>A. VCF-style: chr17-59648354-G-A. GRCh37 (hg19) VCF-style: chr17-57725715-G-A.
Other names: c.646G>A, p.Glu216Lys (NM_001288653.2); short protein forms E212K, E216K.
Identifiers: ClinVar variation 4082620 (VCV004082620.1).